The following is an entry in ClinVar:

ClinVar aggregate classification (germline): Likely pathogenic (1 of 4 stars; one submission).

Conditions:
Citrullinemia. Identifiers: Orphanet 187, MedGen C0175683, MONDO:0015991.

Submission:

Natera, Inc.
Classification: Likely pathogenic for Citrullinemia. Last evaluated: 2024-05-31. Review status: criteria provided, single submitter. Criteria: Natera Variant Classification Schema (03/2026). Collection method: clinical testing. Allele origin: germline.
Comment: The c.427A>T variant in SLC25A13 is a nonsense variant predicted to introduce a stop codon at amino acid 143. This variant is expected to result in nonsense mediated decay, truncation, or a dysfunctional protein product. This variant is rare in the general population with a frequency below the threshold expected for the associated phenotype(s). Given the available evidence, this variant is classified as Likely Pathogenic.

NM_014251.3(SLC25A13):c.427A>T (p.Lys143Ter)

Gene: SLC25A13 (solute carrier family 25 member 13; minus strand). Cytogenetic location: 7q21.3.
Variant type: single nucleotide variant.
Coding change: c.427A>T on transcript NM_014251.3 (MANE Select); coding-DNA position 427, A replaced by T.
Protein change: p.Lys143Ter; replaces lysine 143 with a stop codon.
Molecular consequence: nonsense. On other transcripts: non-coding transcript variant (1).
Genome position (GRCh38, 1-based): chr7:96,208,879, T>A on the plus strand (A>T on the coding strand, the complement: SLC25A13 is on the minus strand). VCF-style: chr7-96208879-T-A. GRCh37 (hg19) VCF-style: chr7-95838191-T-A.
Other names: c.427A>T, p.Lys143Ter (NM_001160210.2); short protein forms K143*.
Identifiers: ClinVar variation 4815641 (VCV004815641.1).